The following is an entry in ClinVar:

NM_005859.5(PURA):c.652_659delinsGTGCCCTC (p.Leu218_Glu220delinsValProSer)

Gene: PURA (purine rich element binding protein A; plus strand). Cytogenetic location: 5q31.3.
Variant type: Indel.
Coding change: c.652_659delinsGTGCCCTC on transcript NM_005859.5 (MANE Select); coding-DNA positions 652 to 659, CTGCCCGA replaced by GTGCCCTC.
Protein change: p.Leu218_Glu220delinsValProSer.
Molecular consequence: missense variant.
Genome position (GRCh38, 1-based): chr5:140,114,833-140,114,840, CTGCCCGA replaced by GTGCCCTC. VCF-style: chr5-140114833-CTGCCCGA-GTGCCCTC. GRCh37 (hg19) VCF-style: chr5-139494418-CTGCCCGA-GTGCCCTC.
Other names: c.652_659delCTGCCCGAinsGTGCCCTC, p.Leu218_Glu220delinsValProSer (NM_005859.4).
Identifiers: ClinVar variation 3359860 (VCV003359860.1).

ClinVar aggregate classification (germline): Uncertain significance (1 of 4 stars; one submission).

Submission:

GeneDx
Classification: Uncertain significance. Last evaluated: 2023-07-17. Review status: criteria provided, single submitter. Criteria: GeneDx Variant Classification Process June 2021. Collection method: clinical testing. Allele origin: germline. Affected: yes.
Comment: Not observed at significant frequency in large population cohorts (gnomAD); In silico analysis supports a deleterious effect on protein structure/function; Has not been previously published as pathogenic or benign to our knowledge